The following is an entry in ClinVar:

NM_015425.6(POLR1A):c.2002G>A (p.Val668Met)

Gene: POLR1A (RNA polymerase I subunit A; minus strand). Cytogenetic location: 2p11.2.
Variant type: single nucleotide variant.
Coding change: c.2002G>A on transcript NM_015425.6 (MANE Select); coding-DNA position 2002, G replaced by A.
Protein change: p.Val668Met; replaces valine 668 with methionine.
Molecular consequence: missense variant.
Genome position (GRCh38, 1-based): chr2:86,065,330, C>T on the plus strand (G>A on the coding strand, the complement: POLR1A is on the minus strand). VCF-style: chr2-86065330-C-T. GRCh37 (hg19) VCF-style: chr2-86292453-C-T.
Other names: c.2002G>A (NM_015425.3); short protein forms V668M.
Identifiers: ClinVar variation 2164856 (VCV002164856.5), dbSNP rs200363968, ClinGen allele CA1746193.

ClinVar aggregate classification (germline): Uncertain significance. Review status: criteria provided, multiple submitters, no conflicts (2 of 4 stars). 2 submissions from 2 submitters: Uncertain significance (2). Last evaluated 2026-01-08.

Conditions:
Inborn genetic diseases. Identifiers: MedGen C0950123, MeSH D030342.

Allele frequency attached by ClinVar (database versions not stated): ExAC 0.00009; TOPMed 0.00009; ESP Exome Variant Server 0.00016.
gnomAD v4.1: 427 of 1,614,028 alleles (0.026%); highest among the groups gnomAD compares: Non-Finnish European, 0.035%; no homozygotes.

Submissions (2):

Labcorp Genetics (formerly Invitae), Labcorp
Classification: Uncertain significance. Last evaluated: 2026-01-08. Review status: criteria provided, single submitter. Criteria: Invitae Variant Classification Sherloc (09022015). Collection method: clinical testing. Allele origin: germline.
Comment: This sequence change replaces valine, which is neutral and non-polar, with methionine, which is neutral and non-polar, at codon 668 of the POLR1A protein (p.Val668Met). This variant is present in population databases (rs200363968, gnomAD 0.03%). This variant has not been reported in the literature in individuals affected with POLR1A-related conditions. ClinVar contains an entry for this variant (Variation ID: 2164856). Invitae Evidence Modeling of protein sequence and biophysical properties (such as structural, functional, and spatial information, amino acid conservation, physicochemical variation, residue mobility, and thermodynamic stability) indicates that this missense variant is expected to disrupt POLR1A protein function with a positive predictive value of 80%. In summary, the available evidence is currently insufficient to determine the role of this variant in disease. Therefore, it has been classified as a Variant of Uncertain Significance.

Ambry Genetics
Classification: Uncertain significance for Inborn genetic diseases. Last evaluated: 2022-08-17. Review status: criteria provided, single submitter. Criteria: Ambry Variant Classification Scheme 2023. Collection method: clinical testing. Allele origin: germline.